The following is an entry in ClinVar:

NM_004092.4(ECHS1):c.664G>A (p.Ala222Thr)

Gene: ECHS1 (enoyl-CoA hydratase, short chain 1; minus strand). Cytogenetic location: 10q26.3.
Variant type: single nucleotide variant.
Coding change: c.664G>A on transcript NM_004092.4 (MANE Select); coding-DNA position 664, G replaced by A.
Protein change: p.Ala222Thr; replaces alanine 222 with threonine.
Molecular consequence: missense variant.
Genome position (GRCh38, 1-based): chr10:133,366,051, C>T on the plus strand (G>A on the coding strand, the complement: ECHS1 is on the minus strand). VCF-style: chr10-133366051-C-T. GRCh37 (hg19) VCF-style: chr10-135179555-C-T.
Other names: short protein forms A222T.
Identifiers: ClinVar variation 427193 (VCV000427193.5), dbSNP rs151006739, ClinGen allele CA5765686.

ClinVar aggregate classification (germline): Likely pathogenic (1 of 4 stars; one submission).

Allele frequency attached by ClinVar (database versions not stated): gnomAD exomes 0.00002 and 0.00006; TOPMed 0.00002; gnomAD 0.00004 and 0.00003; ESP Exome Variant Server 0.00023; ExAC 0.00007.
gnomAD v4.1: 40 of 1,613,804 alleles (0.0025%); highest among the groups gnomAD compares: Non-Finnish European, 0.0031%; no homozygotes.

Submission:

GeneDx
Classification: Likely pathogenic. Last evaluated: 2025-05-22. Review status: criteria provided, single submitter. Criteria: GeneDx Variant Classification Process June 2021. Collection method: clinical testing. Allele origin: germline. Affected: yes.
Comment: In silico analysis supports that this missense variant has a deleterious effect on protein structure/function; Not observed at significant frequency in large population cohorts (gnomAD); Has not been previously published as pathogenic or benign to our knowledge